The following is an entry in ClinVar:

ClinVar aggregate classification (germline): Uncertain significance (1 of 4 stars; one submission).

Conditions:
Inborn genetic diseases. Identifiers: MedGen C0950123, MeSH D030342.

Allele frequency attached by ClinVar (database versions not stated): gnomAD 0.00001.
gnomAD v4.1: 3 of 1,556,044 alleles (0.00019%); highest among the groups gnomAD compares: African/African-American, 0.0014%; no homozygotes.

Submission:

Ambry Genetics
Classification: Uncertain significance for Inborn genetic diseases. Last evaluated: 2022-03-07. Review status: criteria provided, single submitter. Criteria: Ambry Variant Classification Scheme 2023. Collection method: clinical testing. Allele origin: germline.
Comment: The c.45+6G>A intronic alteration consists of a G to A substitution nucleotides after coding exon 1 in the RARS gene. Based on insufficient or conflicting evidence, the clinical significance of this alteration remains unclear.

NM_002887.4(RARS1):c.45+6G>A

Gene: RARS1 (arginyl-tRNA synthetase 1; plus strand). Cytogenetic location: 5q34.
Variant type: single nucleotide variant.
Coding change: c.45+6G>A on transcript NM_002887.4 (MANE Select); 6 bases into the intron after coding-DNA position 45, G replaced by A.
Molecular consequence: intron variant.
Genome position (GRCh38, 1-based): chr5:168,486,549, G>A. VCF-style: chr5-168486549-G-A. GRCh37 (hg19) VCF-style: chr5-167913554-G-A.
Identifiers: ClinVar variation 3151675 (VCV003151675.1), dbSNP rs1462348317, ClinGen allele CA564064690.